The following is an entry in ClinVar:

ClinVar aggregate classification (germline): Uncertain significance (1 of 4 stars; one submission).

Allele frequency attached by ClinVar (database versions not stated): gnomAD exomes 0.00002; ExAC 0.00003; gnomAD 0.00006; ESP Exome Variant Server 0.00008; TOPMed 0.00009.
gnomAD v4.1: 15 of 1,610,548 alleles (0.00093%); highest among the groups gnomAD compares: African/African-American, 0.017%; no homozygotes.

Submission:

Labcorp Genetics (formerly Invitae), Labcorp
Classification: Uncertain significance. Last evaluated: 2025-03-05. Review status: criteria provided, single submitter. Criteria: Invitae Variant Classification Sherloc (09022015). Collection method: clinical testing. Allele origin: germline.
Comment: This sequence change replaces glutamic acid, which is acidic and polar, with glutamine, which is neutral and polar, at codon 266 of the USH1G protein (p.Glu266Gln). This variant is present in population databases (rs372750895, gnomAD 0.03%). This variant has not been reported in the literature in individuals affected with USH1G-related conditions. ClinVar contains an entry for this variant (Variation ID: 1045870). Invitae Evidence Modeling of protein sequence and biophysical properties (such as structural, functional, and spatial information, amino acid conservation, physicochemical variation, residue mobility, and thermodynamic stability) indicates that this missense variant is not expected to disrupt USH1G protein function with a negative predictive value of 80%. In summary, the available evidence is currently insufficient to determine the role of this variant in disease. Therefore, it has been classified as a Variant of Uncertain Significance.

NM_173477.5(USH1G):c.796G>C (p.Glu266Gln)

Gene: USH1G (USH1 protein network component sans; minus strand). Cytogenetic location: 17q25.1.
Variant type: single nucleotide variant.
Coding change: c.796G>C on transcript NM_173477.5 (MANE Select); coding-DNA position 796, G replaced by C.
Protein change: p.Glu266Gln; replaces glutamic acid 266 with glutamine.
Molecular consequence: missense variant.
Genome position (GRCh38, 1-based): chr17:74,920,040, C>G on the plus strand (G>C on the coding strand, the complement: USH1G is on the minus strand). VCF-style: chr17-74920040-C-G. GRCh37 (hg19) VCF-style: chr17-72916135-C-G.
Other names: c.487G>C, p.Glu163Gln (NM_001282489.3); short protein forms E163Q, E266Q.
Identifiers: ClinVar variation 1045870 (VCV001045870.7), dbSNP rs372750895, ClinGen allele CA8753999.